The following is an entry in ClinVar:

ClinVar aggregate classification (germline): Uncertain significance (1 of 4 stars; one submission).

Conditions:
Cohen syndrome (COH1). Also called: Cutis verticis gyrata, retinitis pigmentosa, and sensorineural deafness; PEPPER SYNDROME. Identifiers: Orphanet 193, MedGen C0265223, MONDO:0008999, OMIM 216550.

Submission:

Labcorp Genetics (formerly Invitae), Labcorp
Classification: Uncertain significance for Cohen syndrome. Last evaluated: 2024-02-17. Review status: criteria provided, single submitter. Criteria: Invitae Variant Classification Sherloc (09022015). Collection method: clinical testing. Allele origin: germline.
Comment: This sequence change replaces asparagine, which is neutral and polar, with serine, which is neutral and polar, at codon 1729 of the VPS13B protein (p.Asn1729Ser). This variant is not present in population databases (gnomAD no frequency). This variant has not been reported in the literature in individuals affected with VPS13B-related conditions. ClinVar contains an entry for this variant (Variation ID: 836871). Advanced modeling of protein sequence and biophysical properties (such as structural, functional, and spatial information, amino acid conservation, physicochemical variation, residue mobility, and thermodynamic stability) performed at Invitae indicates that this missense variant is expected to disrupt VPS13B protein function with a positive predictive value of 80%. In summary, the available evidence is currently insufficient to determine the role of this variant in disease. Therefore, it has been classified as a Variant of Uncertain Significance.

NM_152564.5(VPS13B):c.5111A>G (p.Asn1704Ser)

Gene: VPS13B (vacuolar protein sorting 13 homolog B; plus strand). Cytogenetic location: 8q22.2.
Variant type: single nucleotide variant.
Coding change: c.5111A>G on transcript NM_152564.5 (MANE Select); coding-DNA position 5111, A replaced by G.
Protein change: p.Asn1704Ser; replaces asparagine 1704 with serine.
Molecular consequence: missense variant.
Genome position (GRCh38, 1-based): chr8:99,577,524, A>G. VCF-style: chr8-99577524-A-G. GRCh37 (hg19) VCF-style: chr8-100589752-A-G.
Other names: c.5186A>G, p.Asn1729Ser (NM_017890.5); short protein forms N1704S, N1729S.
Identifiers: ClinVar variation 836871 (VCV000836871.8), dbSNP rs1825833646, ClinGen allele CA371875295.